The following is an entry in ClinVar:

ClinVar aggregate classification (germline): Conflicting classifications of pathogenicity. Review status: criteria provided, conflicting classifications (1 of 4 stars). 2 submissions from 2 submitters: Likely pathogenic (1); Uncertain significance (1). Last evaluated 2026-03-16.

Conditions:
Pseudohypoaldosteronism type 2D (PHA2D). Also called: FAMILIAL HYPERKALEMIC HYPERTENSION; PSEUDOHYPOALDOSTERONISM, TYPE IID, AUTOSOMAL DOMINANT OR RECESSIVE; Pseudohypoaldosteronism Type IID. Identifiers: Orphanet 300525, Orphanet 757, MedGen C3469605, MONDO:0013781, OMIM 614495.

Submissions (2):

Women's Health and Genetics/Laboratory Corporation of America, LabCorp
Classification: Uncertain significance. Last evaluated: 2026-03-16. Review status: criteria provided, single submitter. Criteria: LabCorp Variant Classification Summary - May 2015. Collection method: clinical testing. Allele origin: germline.
Comment: Variant summary: KLHL3 c.234G>A (p.Met78Ile) results in a conservative amino acid change in the encoded protein sequence. Algorithms developed to predict the effect of missense changes on protein structure and function are either unavailable or do not agree on the potential impact of this missense change. The variant was absent in 251348 control chromosomes. The available data on variant occurrences in the general population are insufficient to allow any conclusion about variant significance. c.234G>A has been observed in an individual affected with Pseudohypoaldosteronism Type 2D (Hureaux_2019). These data do not allow any conclusion about variant significance. To our knowledge, no experimental evidence demonstrating an impact on protein function has been reported. The following publication have been ascertained in the context of this evaluation (PMID: 31672324). ClinVar contains an entry for this variant (Variation ID: 3591746). Based on the evidence outlined above, the variant was classified as uncertain significance.

Fulgent Genetics
Classification: Likely pathogenic for Pseudohypoaldosteronism type 2D. Last evaluated: 2024-01-01. Review status: criteria provided, single submitter. Criteria: ACMG Guidelines, 2015. Collection method: clinical testing. Allele origin: germline.

Literature cited by the submitters: PubMed 31672324 (cited by Women's Health and Genetics/Laboratory Corporation of America, LabCorp).

NM_017415.3(KLHL3):c.234G>A (p.Met78Ile)

Gene: KLHL3 (kelch like family member 3; minus strand). Cytogenetic location: 5q31.2.
Variant type: single nucleotide variant.
Coding change: c.234G>A on transcript NM_017415.3 (MANE Select); coding-DNA position 234, G replaced by A.
Protein change: p.Met78Ile; replaces methionine 78 with isoleucine.
Molecular consequence: missense variant.
Genome position (GRCh38, 1-based): chr5:137,709,757, C>T on the plus strand (G>A on the coding strand, the complement: KLHL3 is on the minus strand). VCF-style: chr5-137709757-C-T. GRCh37 (hg19) VCF-style: chr5-137045446-C-T.
Other names: c.138G>A, p.Met46Ile (NM_001257194.1); short protein forms M46I, M78I.
Identifiers: ClinVar variation 3591746 (VCV003591746.2).